The following is an entry in ClinVar:

ClinVar aggregate classification (germline): Uncertain significance. Review status: criteria provided, multiple submitters, no conflicts (2 of 4 stars). 3 submissions from 3 submitters: Uncertain significance (3). Last evaluated 2023-09-05.

Conditions:
Cardiovascular phenotype. Identifiers: MedGen CN230736.

Submissions (3):

GeneDx
Classification: Uncertain significance. Last evaluated: 2023-09-05. Review status: criteria provided, single submitter. Criteria: GeneDx Variant Classification Process June 2021. Collection method: clinical testing. Allele origin: germline. Affected: yes.
Comment: Has not been previously published as pathogenic or benign to our knowledge; Not observed at significant frequency in large population cohorts (gnomAD); In silico analysis supports that this missense variant has a deleterious effect on protein structure/function

Labcorp Genetics (formerly Invitae), Labcorp
Classification: Uncertain significance. Last evaluated: 2022-10-27. Review status: criteria provided, single submitter. Criteria: Invitae Variant Classification Sherloc (09022015). Collection method: clinical testing. Allele origin: germline.
Comment: In summary, the available evidence is currently insufficient to determine the role of this variant in disease. Therefore, it has been classified as a Variant of Uncertain Significance. Advanced modeling of protein sequence and biophysical properties (such as structural, functional, and spatial information, amino acid conservation, physicochemical variation, residue mobility, and thermodynamic stability) performed at Invitae indicates that this missense variant is not expected to disrupt LOX protein function. This sequence change replaces glutamine, which is neutral and polar, with arginine, which is basic and polar, at codon 223 of the LOX protein (p.Gln223Arg). This variant is not present in population databases (gnomAD no frequency). This variant has not been reported in the literature in individuals affected with LOX-related conditions. ClinVar contains an entry for this variant (Variation ID: 1312161).

Ambry Genetics
Classification: Uncertain significance for Cardiovascular phenotype. Last evaluated: 2021-03-23. Review status: criteria provided, single submitter. Criteria: Ambry Variant Classification Scheme 2023. Collection method: clinical testing. Allele origin: germline.
Comment: The p.Q223R variant (also known as c.668A>G), located in coding exon 2 of the LOX gene, results from an A to G substitution at nucleotide position 668. The glutamine at codon 223 is replaced by arginine, an amino acid with highly similar properties. This amino acid position is highly conserved in available vertebrate species. In addition, the in silico prediction for this alteration is inconclusive. Since supporting evidence is limited at this time, the clinical significance of this alteration remains unclear.

NM_002317.7(LOX):c.668A>G (p.Gln223Arg)

Genes: LOX (lysyl oxidase; minus strand), SRFBP1 (serum response factor binding protein 1; plus strand). Cytogenetic location: 5q23.1.
Variant type: single nucleotide variant.
Coding change: c.668A>G on transcript NM_002317.7 (MANE Select); coding-DNA position 668, A replaced by G.
Protein change: p.Gln223Arg; replaces glutamine 223 with arginine.
Molecular consequence: missense variant. On other transcripts: 5 prime UTR variant (1), intron variant (1).
Genome position (GRCh38, 1-based): chr5:122,076,965, T>C on the plus strand (A>G on the coding strand, the complement: LOX is on the minus strand). VCF-style: chr5-122076965-T-C. GRCh37 (hg19) VCF-style: chr5-121412660-T-C.
Other names: c.-23A>G (NM_001178102.2); c.-152+127A>G (NM_001317073.1); short protein forms Q223R.
Identifiers: ClinVar variation 1312161 (VCV001312161.10), dbSNP rs1312701230, ClinGen allele CA360875132.
Genomic context (GRCh38, chr5:122,076,965, plus strand): 5'-TTTTCCTCCGCCGCGCATCTCAGGTTGTACATGGACATCTTCTGCACGTACGTGGACGCC[T>C]GGATGTAGTAGGGGTCGGCCACCAGGTCTGGGAGACCTAAACGTCAGCAGGCGACGGGCG-3'
Protein context (NP_002308.2, residues 213-233): PDLVADPYYI[Gln223Arg]ASTYVQKMSM